The following is an entry in ClinVar:

ClinVar aggregate classification (germline): Uncertain significance (1 of 4 stars; one submission).

Allele frequency attached by ClinVar (database versions not stated): gnomAD 0.00001; gnomAD exomes 0.00001.
gnomAD v4.1: 9 of 1,596,898 alleles (0.00056%); highest among the groups gnomAD compares: South Asian, 0.0011%; no homozygotes.

Submission:

Labcorp Genetics (formerly Invitae), Labcorp
Classification: Uncertain significance. Last evaluated: 2022-02-23. Review status: criteria provided, single submitter. Criteria: Invitae Variant Classification Sherloc (09022015). Collection method: clinical testing. Allele origin: germline.
Comment: Algorithms developed to predict the effect of missense changes on protein structure and function (SIFT, PolyPhen-2, Align-GVGD) all suggest that this variant is likely to be tolerated. This variant has not been reported in the literature in individuals affected with ANKRD26-related conditions. This variant is not present in population databases (gnomAD no frequency). This sequence change replaces methionine, which is neutral and non-polar, with isoleucine, which is neutral and non-polar, at codon 405 of the ANKRD26 protein (p.Met405Ile). Algorithms developed to predict the effect of sequence changes on RNA splicing suggest that this variant may disrupt the consensus splice site. In summary, the available evidence is currently insufficient to determine the role of this variant in disease. Therefore, it has been classified as a Variant of Uncertain Significance.

NM_014915.3(ANKRD26):c.1215G>A (p.Met405Ile)

Gene: ANKRD26 (ankyrin repeat domain 26; minus strand). Cytogenetic location: 10p12.1.
Variant type: single nucleotide variant.
Coding change: c.1215G>A on transcript NM_014915.3 (MANE Select); coding-DNA position 1215, G replaced by A.
Protein change: p.Met405Ile; replaces methionine 405 with isoleucine.
Molecular consequence: missense variant.
Genome position (GRCh38, 1-based): chr10:27,066,541, C>T on the plus strand (G>A on the coding strand, the complement: ANKRD26 is on the minus strand). VCF-style: chr10-27066541-C-T. GRCh37 (hg19) VCF-style: chr10-27355470-C-T.
Other names: c.1215G>A, p.Met405Ile (NM_001256053.2); short protein forms M405I.
Identifiers: ClinVar variation 2102698 (VCV002102698.4), dbSNP rs2055255222, ClinGen allele CA376359601.